The following is an entry in ClinVar:

ClinVar aggregate classification (germline): Uncertain significance (1 of 4 stars; one submission).

gnomAD v4.1: 22 of 1,614,106 alleles (0.0014%); highest among the groups gnomAD compares: African/African-American, 0.0027%; no homozygotes.

Submission:

Labcorp Genetics (formerly Invitae), Labcorp
Classification: Uncertain significance. Last evaluated: 2024-07-15. Review status: criteria provided, single submitter. Criteria: Invitae Variant Classification Sherloc (09022015). Collection method: clinical testing. Allele origin: germline.
Comment: This sequence change replaces arginine, which is basic and polar, with histidine, which is basic and polar, at codon 304 of the PLD3 protein (p.Arg304His). This variant is present in population databases (rs528603627, gnomAD 0.003%). This variant has not been reported in the literature in individuals affected with PLD3-related conditions. An algorithm developed to predict the effect of missense changes on protein structure and function (PolyPhen-2) suggests that this variant is likely to be disruptive. In summary, the available evidence is currently insufficient to determine the role of this variant in disease. Therefore, it has been classified as a Variant of Uncertain Significance.

NM_012268.4(PLD3):c.911G>A (p.Arg304His)

Gene: PLD3 (phospholipase D family member 3; plus strand). Cytogenetic location: 19q13.2.
Variant type: single nucleotide variant.
Coding change: c.911G>A on transcript NM_012268.4 (MANE Select); coding-DNA position 911, G replaced by A.
Protein change: p.Arg304His; replaces arginine 304 with histidine.
Molecular consequence: missense variant.
Genome position (GRCh38, 1-based): chr19:40,374,512, G>A. VCF-style: chr19-40374512-G-A. GRCh37 (hg19) VCF-style: chr19-40880419-G-A.
Other names: c.911G>A, p.Arg304His (NM_001031696.4, NM_001291311.2); short protein forms R304H.
Identifiers: ClinVar variation 3707414 (VCV003707414.2).
Genomic context (GRCh38, chr19:40,374,512, plus strand): 5'-ACATGTCTTAACTGTCCCCTCGCCCTCAGAGTGCGCCCCCACCCCTGTGTCCAAGTGGCC[G>A]CACTCCAGACCTGAAGGCTCTACTCAACGTGGTGGACAATGCCCGGAGTTTCATCTACGT-3'
Protein context (NP_036400.2, residues 294-314): SAPPPLCPSG[Arg304His]TPDLKALLNV